The following is an entry in ClinVar:

NM_001104631.2(PDE4D):c.1780G>T (p.Val594Leu)

Gene: PDE4D (phosphodiesterase 4D; minus strand). Cytogenetic location: 5q11.2.
Variant type: single nucleotide variant.
Coding change: c.1780G>T on transcript NM_001104631.2 (MANE Select); coding-DNA position 1780, G replaced by T.
Protein change: p.Val594Leu; replaces valine 594 with leucine.
Molecular consequence: missense variant.
Genome position (GRCh38, 1-based): chr5:58,976,400, C>A on the plus strand (G>T on the coding strand, the complement: PDE4D is on the minus strand). VCF-style: chr5-58976400-C-A. GRCh37 (hg19) VCF-style: chr5-58272227-C-A.
Other names: c.1597G>T, p.Val533Leu (NM_001165899.2, NM_001364599.1); c.1588G>T, p.Val530Leu (NM_001197218.2); c.1414G>T, p.Val472Leu (NM_001197219.2); c.1390G>T, p.Val464Leu (NM_001197220.2); c.874G>T, p.Val292Leu (NM_001197221.2, NM_001364603.1); c.1108G>T, p.Val370Leu (NM_001197222.2); c.907G>T, p.Val303Leu (NM_001197223.2); c.1567G>T, p.Val523Leu (NM_001349241.2); and 3 more; short protein forms V292L, V303L, V338L, V370L, V458L, V464L, V472L, V484L.
Identifiers: ClinVar variation 4819008 (VCV004819008.1).

ClinVar aggregate classification (germline): Uncertain significance (1 of 4 stars; one submission).

Conditions:
Acrodysostosis 2 with or without hormone resistance. Also called: ACRODYSOSTOSIS 2 WITH HORMONE RESISTANCE; ACRODYSOSTOSIS 2 WITHOUT HORMONE RESISTANCE. Identifiers: Orphanet 280651, MedGen C3553250, MONDO:0013822, OMIM 614613.

Submission:

Victorian Clinical Genetics Services, Murdoch Childrens Research Institute
Classification: Uncertain significance for Acrodysostosis 2 with or without hormone resistance. Last evaluated: 2025-11-30. Review status: criteria provided, single submitter. Criteria: ACMG Guidelines, 2015. Collection method: clinical testing. Allele origin: germline. Affected: yes.
Comment: This variant is classified as VUS-3B. Evidence in support of pathogenic classification: Variant is absent from gnomAD (v2, v3 and v4). Additional information: Variant is predicted to result in a missense amino acid change from Val to Leu; This variant is heterozygous; This gene is associated with autosomal dominant disease; This variant has no previous evidence of pathogenicity; No published evidence of segregation with disease has been identified for this variant; No published functional evidence has been identified for this variant; No comparable missense variants have previous evidence for pathogenicity; Variant is located in the annotated 3'5'-cyclic nucleotide phosphodiesterase domain (DECIPHER); Missense variant with inconclusive in silico prediction and/or uninformative conservation; The mechanism of disease for this gene is not clearly established. Contrasting hypotheses of gain of function due to an over-activation and loss of function associated with an over-compensation have been suggested in the literature; however, these are yet to be proven. More recently a dominant negative effect has also been suggested (PMID: 38983619); Variants in this gene are known to have variable expressivity. Variable severity and features have been reported (PMID: 40917827).

Literature cited by the submitters: PubMed 38983619; PubMed 40917827.